The following is an entry in ClinVar:

ClinVar aggregate classification (germline): Uncertain significance (1 of 4 stars; one submission).

Conditions:
Rhabdoid tumor predisposition syndrome 2 (RTPS2). Identifiers: Orphanet 231108, Orphanet 69077, MedGen C2750074, MONDO:0013224, OMIM 613325.

Submission:

Labcorp Genetics (formerly Invitae), Labcorp
Classification: Uncertain significance for Rhabdoid tumor predisposition syndrome 2. Last evaluated: 2022-02-20. Review status: criteria provided, single submitter. Criteria: Invitae Variant Classification Sherloc (09022015). Collection method: clinical testing. Allele origin: germline.
Comment: Algorithms developed to predict the effect of missense changes on protein structure and function (SIFT, PolyPhen-2, Align-GVGD) all suggest that this variant is likely to be disruptive. ClinVar contains an entry for this variant (Variation ID: 537789). This variant has not been reported in the literature in individuals affected with SMARCA4-related conditions. This variant is not present in population databases (gnomAD no frequency). This sequence change replaces serine, which is neutral and polar, with phenylalanine, which is neutral and non-polar, at codon 1582 of the SMARCA4 protein (p.Ser1582Phe). In summary, the available evidence is currently insufficient to determine the role of this variant in disease. Therefore, it has been classified as a Variant of Uncertain Significance.

NM_003072.5(SMARCA4):c.4649C>T (p.Ser1550Phe)

Gene: SMARCA4 (SWI/SNF related BAF chromatin remodeling complex subunit ATPase 4; plus strand). Cytogenetic location: 19p13.2.
Variant type: single nucleotide variant.
Coding change: c.4649C>T on transcript NM_003072.5 (MANE Select); coding-DNA position 4649, C replaced by T.
Protein change: p.Ser1550Phe; replaces serine 1550 with phenylalanine.
Molecular consequence: missense variant. On other transcripts: non-coding transcript variant (1).
Genome position (GRCh38, 1-based): chr19:11,059,766, C>T. VCF-style: chr19-11059766-C-T. GRCh37 (hg19) VCF-style: chr19-11170442-C-T.
Other names: c.4649C>T, p.Ser1550Phe (NM_001128844.3); c.4559C>T, p.Ser1520Phe (NM_001128845.2); c.4556C>T, p.Ser1519Phe (NM_001128846.2); c.4550C>T, p.Ser1517Phe (NM_001128847.4, NM_001374457.1); c.4547C>T, p.Ser1516Phe (NM_001128848.2); c.4745C>T, p.Ser1582Phe (NM_001128849.3, NM_001387283.1); short protein forms S1582F, S1517F, S1520F, S1516F, S1519F, S1550F.
Identifiers: ClinVar variation 537789 (VCV000537789.8), dbSNP rs1555795874, ClinGen allele CA404079208.